The following is an entry in ClinVar:

ClinVar aggregate classification (germline): Likely benign. Review status: criteria provided, single submitter (1 of 4 stars). 2 submissions from 2 submitters: Likely benign (1). 1 of the submissions does not count toward it. Last evaluated 2025-12-19.

Conditions:
ITGAM-related disorder. Also called: ITGAM-related condition.

Allele frequency attached by ClinVar (database versions not stated): ESP Exome Variant Server 0.00008; 1000 Genomes Project 30x 0.00031; 1000 Genomes Project 0.00040.
gnomAD v4.1: 71 of 1,613,718 alleles (0.0044%); highest among the groups gnomAD compares: African/African-American, 0.085%; no homozygotes.

Submissions (2):

Labcorp Genetics (formerly Invitae), Labcorp
Classification: Likely benign. Last evaluated: 2025-12-19. Review status: criteria provided, single submitter. Criteria: Invitae Variant Classification Sherloc (09022015). Collection method: clinical testing. Allele origin: germline.

PreventionGenetics, part of Exact Sciences
Classification: Likely benign for ITGAM-related condition. Last evaluated: 2019-07-31. Review status: no assertion criteria provided. Collection method: clinical testing. Allele origin: germline. Not counted in ClinVar's aggregate classification.
Comment: This variant is classified as likely benign based on ACMG/AMP sequence variant interpretation guidelines (Richards et al. 2015 PMID: 25741868, with internal and published modifications).

NM_000632.4(ITGAM):c.294C>T (p.Ser98=)

Genes: ITGAM (integrin subunit alpha M; plus strand), LOC126862331 (P300/CBP strongly-dependent group 1 enhancer GRCh37_chr16:31276375-31277574; plus strand). Cytogenetic location: 16p11.2.
Variant type: single nucleotide variant.
Coding change: c.294C>T on transcript NM_000632.4 (MANE Select); coding-DNA position 294, C replaced by T.
Protein change: p.Ser98=; no amino-acid change (serine 98 retained).
Molecular consequence: synonymous variant.
Genome position (GRCh38, 1-based): chr16:31,265,866, C>T. VCF-style: chr16-31265866-C-T. GRCh37 (hg19) VCF-style: chr16-31277187-C-T.
Other names: c.294C>T, p.Ser98= (NM_001145808.2); c.294C>T (NM_000632.3).
Identifiers: ClinVar variation 2184353 (VCV002184353.6), dbSNP rs377027681, ClinGen allele CA8025181.